The following is an entry in ClinVar:

NM_000138.5(FBN1):c.4925A>G (p.Asp1642Gly)

Gene: FBN1 (fibrillin 1; minus strand). Cytogenetic location: 15q21.1.
Variant type: single nucleotide variant.
Coding change: c.4925A>G on transcript NM_000138.5 (MANE Select); coding-DNA position 4925, A replaced by G.
Protein change: p.Asp1642Gly; replaces aspartic acid 1642 with glycine.
Molecular consequence: missense variant.
Genome position (GRCh38, 1-based): chr15:48,465,585, T>C on the plus strand (A>G on the coding strand, the complement: FBN1 is on the minus strand). VCF-style: chr15-48465585-T-C. GRCh37 (hg19) VCF-style: chr15-48757782-T-C.
Other names: short protein forms D1642G.
Identifiers: ClinVar variation 636784 (VCV000636784.4), dbSNP rs1597546984, ClinGen allele CA392351082.
Genomic context (GRCh38, chr15:48,465,585, plus strand): 5'-CTTGATATCTGCAAGACCTTATCATCCTACCAGGACCATTTACCATCACACACTCGTGTA[T>C]CTTCATTCAGGTAGTAGCCGGTTGGACAGCGGCACTGGAAACTCCCAAAGGTGTTGATAC-3'
Protein context (NP_000129.3, residues 1632-1652): RCPTGYYLNE[Asp1642Gly]TRVCDDVNEC

ClinVar aggregate classification (germline): Conflicting classifications of pathogenicity. Review status: criteria provided, conflicting classifications (1 of 4 stars). 2 submissions from 2 submitters: Pathogenic (1); Uncertain significance (1). Last evaluated 2025-09-11.

Conditions:
FBN1-related disorder. Also called: FBN1-related disorders.

Submissions (2):

GeneDx
Classification: Uncertain significance. Last evaluated: 2025-09-11. Review status: criteria provided, single submitter. Criteria: GeneDx Variant Classification Process June 2021. Collection method: clinical testing. Allele origin: germline.
Comment: Identified in at least one patient fulfilling Ghent criteria for Marfan syndrome in published literature (PMID: 17253931, 31825148); Not observed at significant frequency in large population cohorts (gnomAD); Does not affect a cysteine or calcium-binding residue within an EGF-like domain or a TGF-binding protein domain of the FBN1 gene; cysteine substitutions in the EGF-like domains represent the majority of pathogenic missense changes associated with FBN1-related disorders (PMID: 12938084); In silico analysis supports that this missense variant has a deleterious effect on protein structure/function; In silico analysis supports a deleterious effect on splicing; This variant is associated with the following publications: (PMID: 12938084, 17253931, 31825148)

Blueprint Genetics
Classification: Pathogenic for FBN1-related disorders. Last evaluated: 2018-09-03. Review status: criteria provided, single submitter. Criteria: ACMG Guidelines, 2015. Collection method: clinical testing. Allele origin: germline. Affected: yes. Observed: 1 variant allele.